The following is an entry in ClinVar:

NM_015602.4(TOR1AIP1):c.47G>T (p.Gly16Val)

Genes: TOR1AIP1 (torsin 1A interacting protein 1; plus strand), LOC112577517 (Sharpr-MPRA regulatory region 13766; plus strand). Cytogenetic location: 1q25.2.
Variant type: single nucleotide variant.
Coding change: c.47G>T on transcript NM_015602.4 (MANE Select); coding-DNA position 47, G replaced by T.
Protein change: p.Gly16Val; replaces glycine 16 with valine.
Molecular consequence: missense variant.
Genome position (GRCh38, 1-based): chr1:179,882,549, G>T. VCF-style: chr1-179882549-G-T. GRCh37 (hg19) VCF-style: chr1-179851684-G-T.
Other names: c.47G>T (NM_015602.2); c.47G>T, p.Gly16Val (NM_001267578.2); short protein forms G16V.
Identifiers: ClinVar variation 1388867 (VCV001388867.7), dbSNP rs773770986, ClinGen allele CA343577545.
Genomic context (GRCh38, chr1:179,882,549, plus strand): 5'-CTACGTCAACAACTATGGCGGGCGACGGGCGGCGGGCAGAGGCGGTGCGGGAAGGATGGG[G>T]TGTGTACGTCACCCCCAGGGCCCCCATCCGAGAGGGAAGGGGCCGGCTCGCCCCTCAAAA-3'
Protein context (NP_056417.2, residues 6-26): RRAEAVREGW[Gly16Val]VYVTPRAPIR

ClinVar aggregate classification (germline): Uncertain significance. Review status: criteria provided, multiple submitters, no conflicts (2 of 4 stars). 2 submissions from 2 submitters: Uncertain significance (2). Last evaluated 2022-06-05.

Conditions:
Autosomal recessive limb-girdle muscular dystrophy type 2Y (MRRSDC). Also called: Muscular dystrophy, limb-girdle, type 2y; Muscular dystrophy, autosomal recessive, with rigid spine and distal joint contractures. Identifiers: Orphanet 424261, MedGen C4511482, MONDO:0014900, OMIM 617072.
Inborn genetic diseases. Identifiers: MedGen C0950123, MeSH D030342.

Allele frequency attached by ClinVar (database versions not stated): TOPMed below 0.00001; gnomAD 0.00001.

Submissions (2):

Labcorp Genetics (formerly Invitae), Labcorp
Classification: Uncertain significance for Autosomal recessive limb-girdle muscular dystrophy type 2Y. Last evaluated: 2022-06-05. Review status: criteria provided, single submitter. Criteria: Invitae Variant Classification Sherloc (09022015). Collection method: clinical testing. Allele origin: germline.
Comment: This sequence change replaces glycine, which is neutral and non-polar, with valine, which is neutral and non-polar, at codon 16 of the TOR1AIP1 protein (p.Gly16Val). In summary, the available evidence is currently insufficient to determine the role of this variant in disease. Therefore, it has been classified as a Variant of Uncertain Significance. Algorithms developed to predict the effect of missense changes on protein structure and function (SIFT, PolyPhen-2, Align-GVGD) all suggest that this variant is likely to be tolerated. ClinVar contains an entry for this variant (Variation ID: 1388867). This variant has not been reported in the literature in individuals affected with TOR1AIP1-related conditions. This variant is not present in population databases (gnomAD no frequency).

Ambry Genetics
Classification: Uncertain significance for Inborn genetic diseases. Last evaluated: 2021-10-26. Review status: criteria provided, single submitter. Criteria: Ambry Variant Classification Scheme 2023. Collection method: clinical testing. Allele origin: germline.